The following is an entry in ClinVar:

NM_015346.4(ZFYVE26):c.2554-1G>C

Gene: ZFYVE26 (zinc finger FYVE-type containing 26; minus strand). Cytogenetic location: 14q24.1.
Variant type: single nucleotide variant.
Coding change: c.2554-1G>C on transcript NM_015346.4 (MANE Select); the canonical splice acceptor site of the intron before coding-DNA position 2554, G replaced by C.
Molecular consequence: splice acceptor variant.
Genome position (GRCh38, 1-based): chr14:67,790,774, C>G on the plus strand (G>C on the coding strand, the complement: ZFYVE26 is on the minus strand). VCF-style: chr14-67790774-C-G. GRCh37 (hg19) VCF-style: chr14-68257491-C-G.
Identifiers: ClinVar variation 488743 (VCV000488743.18), dbSNP rs760559263, ClinGen allele CA7240229.
Genomic context (GRCh38, chr14:67,790,774, plus strand): 5'-CTCCATGAACATCAGTTCCCCTGAACTGGGTGAGGACTTCAGGTTGAACGTGAACAGCAC[C>G]TGTCATAGGAGAGGGAGTGTGTGGGCCCTGGTGGTCCCACTGATTTAGGGAATGTCCATG-3'

ClinVar aggregate classification (germline): Pathogenic/Likely pathogenic. Review status: criteria provided, multiple submitters, no conflicts (2 of 4 stars). 5 submissions from 5 submitters: Pathogenic (2); Likely pathogenic (2). 1 of the submissions does not count toward it. Last evaluated 2025-04-21.

Conditions:
Spastic paraplegia. Identifiers: MedGen C0037772, HP:0001258.
Hereditary spastic paraplegia 15 (SPG15). Also called: SPASTIC PARAPLEGIA 15, AUTOSOMAL RECESSIVE; KJELLIN SYNDROME; SPASTIC PARAPLEGIA AND RETINAL DEGENERATION. Identifiers: Orphanet 100996, MedGen C1849128, MONDO:0010044, OMIM 270700.

Allele frequency attached by ClinVar (database versions not stated): gnomAD exomes below 0.00001; TOPMed below 0.00001; ExAC 0.00001.
gnomAD v4.1: 47 of 1,613,866 alleles (0.0029%); highest among the groups gnomAD compares: Non-Finnish European, 0.0039%; no homozygotes.

Submissions (5):

Labcorp Genetics (formerly Invitae), Labcorp
Classification: Pathogenic for Spastic paraplegia. Last evaluated: 2025-04-21. Review status: criteria provided, single submitter. Criteria: Invitae Variant Classification Sherloc (09022015). Collection method: clinical testing. Allele origin: germline.
Comment: This sequence change affects an acceptor splice site in intron 14 of the ZFYVE26 gene. It is expected to disrupt RNA splicing. Variants that disrupt the donor or acceptor splice site typically lead to a loss of protein function (PMID: 16199547), and loss-of-function variants in ZFYVE26 are known to be pathogenic (PMID: 18394578, 19805727). This variant is present in population databases (rs760559263, gnomAD 0.007%). Disruption of this splice site has been observed in individual(s) with clinical features of spastic paraplegia (PMID: 24999486; Internal data). In at least one individual the data is consistent with being in trans (on the opposite chromosome) from a pathogenic variant. ClinVar contains an entry for this variant (Variation ID: 488743). Algorithms developed to predict the effect of sequence changes on RNA splicing suggest that this variant may disrupt the consensus splice site. For these reasons, this variant has been classified as Pathogenic.

Greenwood Genetic Center Diagnostic Laboratories, Greenwood Genetic Center
Classification: Likely pathogenic. Last evaluated: 2021-02-01. Review status: criteria provided, single submitter. Criteria: ACMG Guidelines, 2015. Collection method: clinical testing. Allele origin: germline. Affected: yes.
Comment: PVS1, PM2

GeneDx
Classification: Likely pathogenic. Last evaluated: 2020-10-12. Review status: criteria provided, single submitter. Criteria: GeneDx Variant Classification Process June 2021. Collection method: clinical testing. Allele origin: germline. Affected: yes.
Comment: Canonical splice site variant predicted to result in a null allele in a gene for which loss-of-function is a known mechanism of disease; Not observed at a significant frequency in large population cohorts (Lek et al., 2016); Has not been previously published as pathogenic or benign to our knowledge

Revvity Omics, Revvity
Classification: Pathogenic for Hereditary spastic paraplegia 15. Last evaluated: 2019-09-06. Review status: criteria provided, single submitter. Criteria: ACMG Guidelines, 2015. Collection method: clinical testing. Allele origin: germline.

Counsyl
Classification: Likely pathogenic for Hereditary spastic paraplegia 15. Last evaluated: 2017-02-28. Review status: no assertion criteria provided. Collection method: clinical testing. Allele origin: unknown. Not counted in ClinVar's aggregate classification.

Literature cited by the submitters: PubMed 16199547 (cited by Labcorp Genetics (formerly Invitae), Labcorp); PubMed 18394578 (cited by Labcorp Genetics (formerly Invitae), Labcorp); PubMed 19805727 (cited by Labcorp Genetics (formerly Invitae), Labcorp); PubMed 24999486 (cited by Labcorp Genetics (formerly Invitae), Labcorp).